The following is an entry in ClinVar:

NM_024675.4(PALB2):c.1352T>G (p.Leu451Ter)

Gene: PALB2 (partner and localizer of BRCA2; minus strand). Cytogenetic location: 16p12.2.
Variant type: single nucleotide variant.
Coding change: c.1352T>G on transcript NM_024675.4 (MANE Select); coding-DNA position 1352, T replaced by G.
Protein change: p.Leu451Ter; replaces leucine 451 with a stop codon.
Molecular consequence: nonsense.
Genome position (GRCh38, 1-based): chr16:23,635,194, A>C on the plus strand (T>G on the coding strand, the complement: PALB2 is on the minus strand). VCF-style: chr16-23635194-A-C. GRCh37 (hg19) VCF-style: chr16-23646515-A-C.
Other names: short protein forms L451*.
Identifiers: ClinVar variation 1453991 (VCV001453991.7), dbSNP rs1966974831, ClinGen allele CA395131522.

ClinVar aggregate classification (germline): Pathogenic (1 of 4 stars; one submission).

Conditions:
Familial cancer of breast. Also called: Hereditary breast cancer; hereditary breast carcinoma; BREAST CANCER, FAMILIAL. Identifiers: Orphanet 227535, MedGen C0346153, MONDO:0016419, OMIM 114480. Disease mechanism: loss of function.

Submission:

Labcorp Genetics (formerly Invitae), Labcorp
Classification: Pathogenic for Familial cancer of breast. Last evaluated: 2021-11-17. Review status: criteria provided, single submitter. Criteria: Invitae Variant Classification Sherloc (09022015). Collection method: clinical testing. Allele origin: germline.
Comment: For these reasons, this variant has been classified as Pathogenic. This variant has not been reported in the literature in individuals affected with PALB2-related conditions. This variant is not present in population databases (gnomAD no frequency). This sequence change creates a premature translational stop signal (p.Leu451*) in the PALB2 gene. It is expected to result in an absent or disrupted protein product. Loss-of-function variants in PALB2 are known to be pathogenic (PMID: 17200668, 17200671, 17200672, 24136930, 25099575).

Literature cited by the submitters: PubMed 17200668; PubMed 17200671; PubMed 17200672; PubMed 24136930; PubMed 25099575.